The following is an entry in ClinVar:

ClinVar aggregate classification (germline): Likely benign (1 of 4 stars; one submission).

Conditions:
PLXNA3-related disorder. Also called: PLXNA3-related condition.

Submission:

PreventionGenetics, part of Exact Sciences
Classification: Likely benign for PLXNA3-related condition. Last evaluated: 2024-10-18. Review status: criteria provided, single submitter. Criteria: ACMG Guidelines, 2015. Collection method: clinical testing. Allele origin: germline.
Comment: This variant is classified as likely benign based on ACMG/AMP sequence variant interpretation guidelines (Richards et al. 2015 PMID: 25741868, with internal and published modifications).

NM_017514.5(PLXNA3):c.5130T>C (p.Asp1710=)

Gene: PLXNA3 (plexin A3; plus strand). Cytogenetic location: Xq28.
Variant type: single nucleotide variant.
Coding change: c.5130T>C on transcript NM_017514.5 (MANE Select); coding-DNA position 5130, T replaced by C.
Protein change: p.Asp1710=; no amino-acid change (aspartic acid 1710 retained).
Molecular consequence: synonymous variant.
Genome position (GRCh38, 1-based): chrX:154,470,585, T>C. VCF-style: chrX-154470585-T-C. GRCh37 (hg19) VCF-style: chrX-153698928-T-C.
Identifiers: ClinVar variation 4978307 (VCV004978307.1).